The following is an entry in ClinVar:

NM_001379451.1(BCORL1):c.4851G>A (p.Ser1617=)

Gene: BCORL1 (BCL6 corepressor like 1; plus strand). Cytogenetic location: Xq26.1.
Variant type: single nucleotide variant.
Coding change: c.4851G>A on transcript NM_001379451.1 (MANE Select); coding-DNA position 4851, G replaced by A.
Protein change: p.Ser1617=; no amino-acid change (serine 1617 retained).
Molecular consequence: synonymous variant.
Genome position (GRCh38, 1-based): chrX:130,050,727, G>A. VCF-style: chrX-130050727-G-A. GRCh37 (hg19) VCF-style: chrX-129184702-G-A.
Other names: NC_000023.10:g.129184702G>A; c.4851G>A, p.Ser1617= (NM_001184772.3, NM_001379450.1); c.4629G>A, p.Ser1543= (NM_021946.5).
Identifiers: ClinVar variation 786711 (VCV000786711.8), dbSNP rs35736519, ClinGen allele CA10514755.
Genomic context (GRCh38, chrX:130,050,727, plus strand): 5'-CCTTCCCCAGCCTAACCTCCTTGTCTCACTGCCTGCTCTTCTTTCATCAGATCACCTCTC[G>A]GATCTTCAGGGCCGGGCAGAGGGTGATCCCGGTGTATCCTGGGATTTTTACAGCAGTTCT-3'
Protein context (NP_001366380.1, residues 1607-1627): TMKRFLSDHL[Ser1617=]DLQGRAEGDP

ClinVar aggregate classification (germline): Benign/Likely benign. Review status: criteria provided, multiple submitters, no conflicts (2 of 4 stars). 4 submissions from 4 submitters: Benign (2); Likely benign (1). 1 of the submissions does not count toward it. Last evaluated 2022-05-17.

Conditions:
BCORL1-related disorder. Also called: BCORL1-related condition.
Shukla-Vernon syndrome. Identifiers: MedGen C5193146, MONDO:0026727, OMIM 301029.

Allele frequency attached by ClinVar (database versions not stated): TOPMed 0.01025; gnomAD 0.01042; 1000 Genomes Project 0.01219; 1000 Genomes Project 30x 0.01270; ESP Exome Variant Server 0.01316.
gnomAD v4.1: 2,348 of 1,209,002 alleles (0.19%); highest among the groups gnomAD compares: African/African-American, 3.3%; 26 homozygotes.

Submissions (6):

Fulgent Genetics
Classification: Likely benign for Shukla-Vernon syndrome. Last evaluated: 2022-05-17. Review status: criteria provided, single submitter. Criteria: ACMG Guidelines, 2015. Collection method: clinical testing. Allele origin: unknown.

Labcorp Genetics (formerly Invitae), Labcorp
Classification: Benign. Last evaluated: 2018-12-11. Review status: criteria provided, single submitter. Criteria: Invitae Variant Classification Sherloc (09022015). Collection method: clinical testing. Allele origin: germline.

Breakthrough Genomics
Classification: Benign. Review status: criteria provided, single submitter. Criteria: ACMG Guidelines, 2015. Collection method: not provided. Allele origin: germline. Inheritance: X-linked inheritance. Affected: yes.

PreventionGenetics, part of Exact Sciences
Classification: Benign for BCORL1-related condition. Last evaluated: 2019-08-07. Review status: no assertion criteria provided. Collection method: clinical testing. Allele origin: germline. Not counted in ClinVar's aggregate classification.
Comment: This variant is classified as benign based on ACMG/AMP sequence variant interpretation guidelines (Richards et al. 2015 PMID: 25741868, with internal and published modifications).

Dr. Peter K. Rogan Lab, Western University
No classification provided (evidence only). Condition: Thyroid cancer, nonmedullary, 1. Review status: no classification provided. Collection method: in vitro. Allele origin: not applicable. Functional consequence: retained intron. Not counted in ClinVar's aggregate classification.

Dr. Peter K. Rogan Lab, Western University
No classification provided (evidence only). Condition: Cervical cancer. Review status: no classification provided. Collection method: in vitro. Allele origin: not applicable. Functional consequence: retained intron. Not counted in ClinVar's aggregate classification.